The following is an entry in ClinVar:

NM_001013631.3(HNRNPCL1):c.334G>C (p.Asp112His)

Gene: HNRNPCL1 (heterogeneous nuclear ribonucleoprotein C like 1; minus strand). Cytogenetic location: 1p36.21.
Variant type: single nucleotide variant.
Coding change: c.334G>C on transcript NM_001013631.3 (MANE Select); coding-DNA position 334, G replaced by C.
Protein change: p.Asp112His; replaces aspartic acid 112 with histidine.
Molecular consequence: missense variant.
Genome position (GRCh38, 1-based): chr1:12,847,956, C>G on the plus strand (G>C on the coding strand, the complement: HNRNPCL1 is on the minus strand). VCF-style: chr1-12847956-C-G. GRCh37 (hg19) VCF-style: chr1-12907809-C-G.
Other names: short protein forms D112H.
Identifiers: ClinVar variation 4858362 (VCV004858362.1).

ClinVar aggregate classification (germline): Uncertain significance (1 of 4 stars; one submission).

Submission:

Ambry Genetics
Classification: Uncertain significance. Last evaluated: 2026-03-31. Review status: criteria provided, single submitter. Criteria: Ambry Variant Classification Scheme 2023. Collection method: clinical testing. Allele origin: germline.
Comment: The c.334G>C (p.D112H) alteration is located in exon 2 (coding exon 1) of the HNRNPCL1 gene. This alteration results from a G to C substitution at nucleotide position 334, causing the aspartic acid (D) at amino acid position 112 to be replaced by a histidine (H). Based on data from gnomAD, the C allele has an overall frequency of 0.001% (2/251368) total alleles studied. The highest observed frequency was 0.002% (2/113672) of European (non-Finnish) alleles. Based on insufficient or conflicting evidence, the clinical significance of this alteration remains unclear.